The following is an entry in ClinVar:

ClinVar aggregate classification (germline): Benign/Likely benign. Review status: criteria provided, single submitter (1 of 4 stars). 3 submissions from 1 submitter: Benign (1); Likely benign (2). Last evaluated 2018-01-13.

Conditions:
Pyruvate dehydrogenase complex deficiency (PDHC). Also called: PYRUVATE DECARBOXYLASE DEFICIENCY; Pyruvate Dehydrogenase Complex Deficiency Disease; Pyruvate dehydrogenase deficiency; Ataxia with lactic acidosis 1; PDH DEFICIENCY. Identifiers: Orphanet 765, Orphanet 79243, MedGen C0034345, MONDO:0019169.
Leigh syndrome (NULS). Also called: Leigh's syndrome; Leigh Disease; Subacute necrotizing encephalopathy; Necrotizing encephalopathy infantile subacute of Leigh; LEIGH SYNDROME, NUCLEAR; Leigh's necrotizing encephalopathy. Identifiers: Orphanet 506, MedGen C2931891, MONDO:0009723, OMIM 256000.
Pyruvate dehydrogenase E3 deficiency (DLDD). Also called: Dihydrolipoamide Dehydrogenase E3 Deficiency; Lipoamide dehydrogenase deficiency, lactic acidosis due to; Lipoamide dehydrogenase deficiency; Dihydrolipoamide Dehydrogenase (E3) Deficiency; MAPLE SYRUP URINE DISEASE, TYPE III; DLD DEFICIENCY. Identifiers: Orphanet 2394, Orphanet 765, MedGen C5574660, MONDO:0009529, OMIM 246900.

Allele frequency attached by ClinVar (database versions not stated): gnomAD 0.00525 and 0.00569; 1000 Genomes Project 0.00579; TOPMed 0.00592; 1000 Genomes Project 30x 0.00656.

Submissions (3):

Illumina Laboratory Services, Illumina
Classification: Likely benign for Pyruvate dehydrogenase complex deficiency. Last evaluated: 2018-01-13. Review status: criteria provided, single submitter. Criteria: ICSL Variant Classification Criteria 13 December 2019. Collection method: clinical testing. Allele origin: germline.
Comment: This variant was observed in the ICSL laboratory as part of a predisposition screen in an ostensibly healthy population. It had not been previously curated by ICSL or reported in the Human Gene Mutation Database (HGMD: prior to June 1st, 2018), and was therefore a candidate for classification through an automated scoring system. Utilizing variant allele frequency, disease prevalence and penetrance estimates, and inheritance mode, an automated score was calculated to assess if this variant is too frequent to cause the disease. Based on the score and internal cut-off values, a variant classified as likely benign is not then subjected to further curation. The score for this variant resulted in a classification of likely benign for this disease.

Illumina Laboratory Services, Illumina
Classification: Likely benign for Leigh syndrome. Last evaluated: 2018-01-13. Review status: criteria provided, single submitter. Criteria: ICSL Variant Classification Criteria 13 December 2019. Collection method: clinical testing. Allele origin: germline.
Comment: the same text as in the submission from Illumina Laboratory Services, Illumina above.

Illumina Laboratory Services, Illumina
Classification: Benign for Pyruvate dehydrogenase E3 deficiency. Last evaluated: 2018-01-13. Review status: criteria provided, single submitter. Criteria: ICSL Variant Classification Criteria 13 December 2019. Collection method: clinical testing. Allele origin: germline.
Comment: This variant was observed in the ICSL laboratory as part of a predisposition screen in an ostensibly healthy population. It had not been previously curated by ICSL or reported in the Human Gene Mutation Database (HGMD: prior to June 1st, 2018), and was therefore a candidate for classification through an automated scoring system. Utilizing variant allele frequency, disease prevalence and penetrance estimates, and inheritance mode, an automated score was calculated to assess if this variant is too frequent to cause the disease. Based on the score and internal cut-off values, a variant classified as benign is not then subjected to further curation. The score for this variant resulted in a classification of benign for this disease.

NM_000108.5(DLD):c.*887T>C

Gene: DLD (dihydrolipoamide dehydrogenase; plus strand). Cytogenetic location: 7q31.1.
Variant type: single nucleotide variant.
Coding change: c.*887T>C on transcript NM_000108.5 (MANE Select); 887 bases downstream of the stop codon, T replaced by C.
Molecular consequence: 3 prime UTR variant.
Genome position (GRCh38, 1-based): chr7:107,920,146, T>C. VCF-style: chr7-107920146-T-C. GRCh37 (hg19) VCF-style: chr7-107560591-T-C.
Other names: c.*887T>C (NM_001289750.1, NM_001289751.1, NM_001289752.1).
Identifiers: ClinVar variation 908668 (VCV000908668.4), dbSNP rs16872396, ClinGen allele CA164262367.